The following is an entry in ClinVar:

ClinVar aggregate classification (germline): Pathogenic (1 of 4 stars; one submission).

Submission:

Labcorp Genetics (formerly Invitae), Labcorp
Classification: Pathogenic. Last evaluated: 2018-12-16. Review status: criteria provided, single submitter. Criteria: Invitae Variant Classification Sherloc (09022015). Collection method: clinical testing. Allele origin: germline.
Comment: Loss-of-function variants in FH are known to be pathogenic (PMID: 11865300, 21398687). This variant has not been reported in the literature in individuals with FH-related conditions. This variant is not present in population databases (ExAC no frequency). This sequence change creates a premature translational stop signal (p.Lys115Argfs*6) in the FH gene. It is expected to result in an absent or disrupted protein product. For these reasons, this variant has been classified as Pathogenic.

Literature cited by the submitters: PubMed 11865300; PubMed 21398687.

NM_000143.4(FH):c.344del (p.Lys115fs)

Gene: FH (fumarate hydratase; minus strand). Cytogenetic location: 1q43.
Variant type: Deletion.
Coding change: c.344del on transcript NM_000143.4 (MANE Select); coding-DNA position 344, one base deleted (A; older notation c.344delA).
Protein change: p.Lys115fs; shifts the reading frame from lysine 115.
Molecular consequence: frameshift variant.
Genome position (GRCh38, 1-based): chr1:241,513,637, T deleted on the plus strand (A on the coding strand, the reverse complement: FH is on the minus strand); the first of 3 consecutive T bases (chr1:241,513,637-241,513,639); deleting any one gives the same sequence. VCF-style (leftmost placement, unchanged base first): chr1-241513636-CT-C. GRCh37 (hg19) VCF-style: chr1-241676936-CT-C.
Other names: short protein forms K115fs.
Identifiers: ClinVar variation 661429 (VCV000661429.7), dbSNP rs1573886415, ClinGen allele CA915942112.